The following is an entry in ClinVar:

ClinVar aggregate classification (germline): Likely benign (0 of 4 stars; one submission).

Conditions:
NALCN-related disorder. Also called: NALCN-related condition; NALCN-related disorders.

Submission:

PreventionGenetics, part of Exact Sciences
Classification: Likely benign for NALCN-related condition. Last evaluated: 2020-01-06. Review status: no assertion criteria provided. Collection method: clinical testing. Allele origin: germline.
Comment: This variant is classified as likely benign based on ACMG/AMP sequence variant interpretation guidelines (Richards et al. 2015 PMID: 25741868, with internal and published modifications).

NM_052867.4(NALCN):c.663T>C (p.Ser221=)

Gene: NALCN (sodium leak channel, non-selective; minus strand). Cytogenetic location: 13q33.1.
Variant type: single nucleotide variant.
Coding change: c.663T>C on transcript NM_052867.4 (MANE Select); coding-DNA position 663, T replaced by C.
Protein change: p.Ser221=; no amino-acid change (serine 221 retained).
Molecular consequence: synonymous variant.
Genome position (GRCh38, 1-based): chr13:101,345,402, A>G on the plus strand (T>C on the coding strand, the complement: NALCN is on the minus strand). VCF-style: chr13-101345402-A-G. GRCh37 (hg19) VCF-style: chr13-101997753-A-G.
Other names: c.663T>C, p.Ser221= (NM_001350748.2, NM_001350749.2, NM_001350750.2 and 1 more transcripts).
Identifiers: ClinVar variation 3033598 (VCV003033598.2), dbSNP rs2503581495, ClinGen allele CA484764987.